The following is an entry in ClinVar:

NM_001035.3(RYR2):c.13883G>C (p.Gly4628Ala)

Gene: RYR2 (ryanodine receptor 2; plus strand). Cytogenetic location: 1q43.
Variant type: single nucleotide variant.
Coding change: c.13883G>C on transcript NM_001035.3 (MANE Select); coding-DNA position 13883, G replaced by C.
Protein change: p.Gly4628Ala; replaces glycine 4628 with alanine.
Molecular consequence: missense variant.
Genome position (GRCh38, 1-based): chr1:237,793,967, G>C. VCF-style: chr1-237793967-G-C. GRCh37 (hg19) VCF-style: chr1-237957267-G-C.
Other names: short protein forms G4628A.
Identifiers: ClinVar variation 3436577 (VCV003436577.1).
Genomic context (GRCh38, chr1:237,793,967, plus strand): 5'-GGAAATTGGAATTTGATGGGCTTTATATTACAGAACAGCCTTCAGAAGATGATATTAAAG[G>C]CCAGTGGGATAGACTCGTAATCAACACACAGTGAGTAAATAATTATATGAGACTTTCTGC-3'
Protein context (NP_001026.2, residues 4618-4638): TEQPSEDDIK[Gly4628Ala]QWDRLVINTQ

ClinVar aggregate classification (germline): Uncertain significance (1 of 4 stars; one submission).

Conditions:
Cardiovascular phenotype. Identifiers: MedGen CN230736.

Submission:

Ambry Genetics
Classification: Uncertain significance for Cardiovascular phenotype. Last evaluated: 2024-10-01. Review status: criteria provided, single submitter. Criteria: Ambry Variant Classification Scheme 2023. Collection method: clinical testing. Allele origin: germline.
Comment: The p.G4628A variant (also known as c.13883G>C), located in coding exon 95 of the RYR2 gene, results from a G to C substitution at nucleotide position 13883. The glycine at codon 4628 is replaced by alanine, an amino acid with similar properties. This amino acid position is highly conserved in available vertebrate species. In addition, this alteration is predicted to be deleterious by in silico analysis. Based on the available evidence, the clinical significance of this variant remains unclear.